The following is an entry in ClinVar:

ClinVar aggregate classification (germline): Uncertain significance. Review status: criteria provided, multiple submitters, no conflicts (2 of 4 stars). 3 submissions from 3 submitters: Uncertain significance (3). Last evaluated 2025-07-14.

Conditions:
Inborn genetic diseases. Identifiers: MedGen C0950123, MeSH D030342.

Allele frequency attached by ClinVar (database versions not stated): gnomAD exomes 0.00005 and 0.00002; TOPMed 0.00004; ExAC 0.00002; gnomAD 0.00003.
gnomAD v4.1: 79 of 1,614,022 alleles (0.0049%); highest among the groups gnomAD compares: Non-Finnish European, 0.0065%; no homozygotes.

Submissions (3):

Ambry Genetics
Classification: Uncertain significance for Inborn genetic diseases. Last evaluated: 2025-07-14. Review status: criteria provided, single submitter. Criteria: Ambry Variant Classification Scheme 2023. Collection method: clinical testing. Allele origin: germline.

GeneDx
Classification: Uncertain significance. Last evaluated: 2024-07-18. Review status: criteria provided, single submitter. Criteria: GeneDx Variant Classification Process June 2021. Collection method: clinical testing. Allele origin: germline.
Comment: Not observed at significant frequency in large population cohorts (gnomAD); In silico analysis indicates that this missense variant does not alter protein structure/function; Has not been previously published as pathogenic or benign to our knowledge

Labcorp Genetics (formerly Invitae), Labcorp
Classification: Uncertain significance. Last evaluated: 2021-08-27. Review status: criteria provided, single submitter. Criteria: Invitae Variant Classification Sherloc (09022015). Collection method: clinical testing. Allele origin: germline.
Comment: This sequence change replaces glycine with arginine at codon 427 of the MCM3AP protein (p.Gly427Arg). The glycine residue is moderately conserved and there is a moderate physicochemical difference between glycine and arginine. This variant is present in population databases (rs752191411, ExAC 0.003%). This variant has not been reported in the literature in individuals affected with MCM3AP-related conditions. Algorithms developed to predict the effect of missense changes on protein structure and function output the following: SIFT: "Tolerated"; PolyPhen-2: "Benign"; Align-GVGD: "Class C0". The arginine amino acid residue is found in multiple mammalian species, which suggests that this missense change does not adversely affect protein function. In summary, the available evidence is currently insufficient to determine the role of this variant in disease. Therefore, it has been classified as a Variant of Uncertain Significance.

NM_003906.5(MCM3AP):c.1279G>C (p.Gly427Arg)

Gene: MCM3AP (minichromosome maintenance complex component 3 associated protein; minus strand). Cytogenetic location: 21q22.3.
Variant type: single nucleotide variant.
Coding change: c.1279G>C on transcript NM_003906.5 (MANE Select); coding-DNA position 1279, G replaced by C.
Protein change: p.Gly427Arg; replaces glycine 427 with arginine.
Molecular consequence: missense variant.
Genome position (GRCh38, 1-based): chr21:46,283,779, C>G on the plus strand (G>C on the coding strand, the complement: MCM3AP is on the minus strand). VCF-style: chr21-46283779-C-G. GRCh37 (hg19) VCF-style: chr21-47703693-C-G.
Other names: c.1279G>C (NM_003906.3); short protein forms G427R.
Identifiers: ClinVar variation 1376169 (VCV001376169.7), dbSNP rs752191411, ClinGen allele CA10077128.